The following is an entry in ClinVar:

ClinVar aggregate classification (germline): Uncertain significance (1 of 4 stars; one submission).

Allele frequency attached by ClinVar (database versions not stated): gnomAD exomes 0.00001; gnomAD 0.00003.
gnomAD v4.1: 11 of 1,564,808 alleles (0.0007%); highest among the groups gnomAD compares: Admixed American, 0.019%; no homozygotes.

Submission:

Labcorp Genetics (formerly Invitae), Labcorp
Classification: Uncertain significance. Last evaluated: 2025-01-17. Review status: criteria provided, single submitter. Criteria: Invitae Variant Classification Sherloc (09022015). Collection method: clinical testing. Allele origin: germline.
Comment: This sequence change falls in intron 2 of the C1QA gene. It does not directly change the encoded amino acid sequence of the C1QA protein. It affects a nucleotide within the consensus splice site. This variant is present in population databases (no rsID available, gnomAD 0.004%). This variant has not been reported in the literature in individuals affected with C1QA-related conditions. ClinVar contains an entry for this variant (Variation ID: 1932393). Variants that disrupt the consensus splice site are a relatively common cause of aberrant splicing (PMID: 17576681, 9536098). Algorithms developed to predict the effect of sequence changes on RNA splicing suggest that this variant is not likely to affect RNA splicing. In summary, the available evidence is currently insufficient to determine the role of this variant in disease. Therefore, it has been classified as a Variant of Uncertain Significance.

Literature cited by the submitters: PubMed 17576681; PubMed 9536098.

NM_015991.4(C1QA):c.163+6C>T

Gene: C1QA (complement C1q A chain; plus strand). Cytogenetic location: 1p36.12.
Variant type: single nucleotide variant.
Coding change: c.163+6C>T on transcript NM_015991.4 (MANE Select); 6 bases into the intron after coding-DNA position 163, C replaced by T.
Molecular consequence: intron variant.
Genome position (GRCh38, 1-based): chr1:22,637,785, C>T. VCF-style: chr1-22637785-C-T. GRCh37 (hg19) VCF-style: chr1-22964278-C-T.
Other names: c.163+6C>T (NM_001347466.2, NM_001347465.2).
Identifiers: ClinVar variation 1932393 (VCV001932393.4), dbSNP rs1296115202, ClinGen allele CA521618297.